The following is an entry in ClinVar:

ClinVar aggregate classification (germline): Uncertain significance (1 of 4 stars; one submission).

Allele frequency attached by ClinVar (database versions not stated): gnomAD exomes below 0.00001; ExAC 0.00001.
gnomAD v4.1: 6 of 1,612,374 alleles (0.00037%); highest among the groups gnomAD compares: Middle Eastern, 0.066%; no homozygotes.

Submission:

Labcorp Genetics (formerly Invitae), Labcorp
Classification: Uncertain significance. Last evaluated: 2023-10-22. Review status: criteria provided, single submitter. Criteria: Invitae Variant Classification Sherloc (09022015). Collection method: clinical testing. Allele origin: germline.
Comment: This sequence change replaces valine, which is neutral and non-polar, with alanine, which is neutral and non-polar, at codon 649 of the LAMC3 protein (p.Val649Ala). This variant is present in population databases (rs774055540, gnomAD no frequency). This variant has not been reported in the literature in individuals affected with LAMC3-related conditions. ClinVar contains an entry for this variant (Variation ID: 1950330). Algorithms developed to predict the effect of missense changes on protein structure and function output the following: SIFT: "Not Available"; PolyPhen-2: "Benign"; Align-GVGD: "Not Available". The alanine amino acid residue is found in multiple mammalian species, which suggests that this missense change does not adversely affect protein function. In summary, the available evidence is currently insufficient to determine the role of this variant in disease. Therefore, it has been classified as a Variant of Uncertain Significance.

NM_006059.4(LAMC3):c.1946T>C (p.Val649Ala)

Gene: LAMC3 (laminin subunit gamma 3; plus strand). Cytogenetic location: 9q34.12.
Variant type: single nucleotide variant.
Coding change: c.1946T>C on transcript NM_006059.4 (MANE Select); coding-DNA position 1946, T replaced by C.
Protein change: p.Val649Ala; replaces valine 649 with alanine.
Molecular consequence: missense variant.
Genome position (GRCh38, 1-based): chr9:131,056,935, T>C. VCF-style: chr9-131056935-T-C. GRCh37 (hg19) VCF-style: chr9-133932322-T-C.
Other names: short protein forms V649A.
Identifiers: ClinVar variation 1950330 (VCV001950330.5), dbSNP rs774055540, ClinGen allele CA5287289.